The following is an entry in ClinVar:

ClinVar aggregate classification (germline): Uncertain significance (1 of 4 stars; one submission).

Conditions:
Singleton-Merten syndrome 1 (SGMRT1). Also called: Widened medullary cavities of bone, aortic calcification, abnormal dentition, and muscular weakness; Syndrome of widened medullary cavities of the metacarpals and phalanges, aortic calcification and abnormal dentition. Identifiers: Orphanet 85191, MedGen C4225427, MONDO:0024535, OMIM 182250.
Aicardi-Goutieres syndrome 7 (AGS7). Identifiers: Orphanet 51, MedGen C3888244, MONDO:0014367, OMIM 615846.

Allele frequency attached by ClinVar (database versions not stated): TOPMed below 0.00001.
gnomAD v4.1: 5 of 1,612,418 alleles (0.00031%); highest among the groups gnomAD compares: Non-Finnish European, 0.00034%; no homozygotes.

Submission:

Labcorp Genetics (formerly Invitae), Labcorp
Classification: Uncertain significance for Aicardi-Goutieres syndrome 7; Singleton-Merten syndrome 1. Last evaluated: 2025-05-30. Review status: criteria provided, single submitter. Criteria: Invitae Variant Classification Sherloc (09022015). Collection method: clinical testing. Allele origin: germline.
Comment: This sequence change replaces methionine, which is neutral and non-polar, with threonine, which is neutral and polar, at codon 864 of the IFIH1 protein (p.Met864Thr). This variant is present in population databases (no rsID available, gnomAD 0.002%). This variant has not been reported in the literature in individuals affected with IFIH1-related conditions. ClinVar contains an entry for this variant (Variation ID: 2931053). Invitae Evidence Modeling of protein sequence and biophysical properties (such as structural, functional, and spatial information, amino acid conservation, physicochemical variation, residue mobility, and thermodynamic stability) has been performed for this missense variant. However, the output from this modeling did not meet the statistical confidence thresholds required to predict the impact of this variant on IFIH1 protein function. In summary, the available evidence is currently insufficient to determine the role of this variant in disease. Therefore, it has been classified as a Variant of Uncertain Significance.

NM_022168.4(IFIH1):c.2591T>C (p.Met864Thr)

Gene: IFIH1 (interferon induced with helicase C domain 1; minus strand). Cytogenetic location: 2q24.2.
Variant type: single nucleotide variant.
Coding change: c.2591T>C on transcript NM_022168.4 (MANE Select); coding-DNA position 2591, T replaced by C.
Protein change: p.Met864Thr; replaces methionine 864 with threonine.
Molecular consequence: missense variant.
Genome position (GRCh38, 1-based): chr2:162,272,251, A>G on the plus strand (T>C on the coding strand, the complement: IFIH1 is on the minus strand). VCF-style: chr2-162272251-A-G. GRCh37 (hg19) VCF-style: chr2-163128761-A-G.
Other names: short protein forms M864T.
Identifiers: ClinVar variation 2931053 (VCV002931053.3), dbSNP rs757999599, ClinGen allele CA59655613.